The following is an entry in ClinVar:

ClinVar aggregate classification (germline): Uncertain significance (1 of 4 stars; one submission).

gnomAD v4.1: 1 of 1,585,484 alleles (0.000063%); no homozygotes.

Submission:

Labcorp Genetics (formerly Invitae), Labcorp
Classification: Uncertain significance. Last evaluated: 2025-10-02. Review status: criteria provided, single submitter. Criteria: Invitae Variant Classification Sherloc (09022015). Collection method: clinical testing. Allele origin: germline.
Comment: This sequence change replaces aspartic acid, which is acidic and polar, with tyrosine, which is neutral and polar, at codon 859 of the SYNPO protein (p.Asp859Tyr). The frequency data for this variant in the population databases is considered unreliable, as metrics indicate poor data quality at this position in the gnomAD database. This variant has not been reported in the literature in individuals affected with SYNPO-related conditions. ClinVar contains an entry for this variant (Variation ID: 2131258). An algorithm developed to predict the effect of missense changes on protein structure and function (PolyPhen-2) suggests that this variant is likely to be disruptive. In summary, the available evidence is currently insufficient to determine the role of this variant in disease. Therefore, it has been classified as a Variant of Uncertain Significance.

NM_007286.6(SYNPO):c.2575G>T (p.Asp859Tyr)

Gene: SYNPO (synaptopodin; plus strand). Cytogenetic location: 5q33.1.
Variant type: single nucleotide variant.
Coding change: c.2575G>T on transcript NM_007286.6 (MANE Select); coding-DNA position 2575, G replaced by T.
Protein change: p.Asp859Tyr; replaces aspartic acid 859 with tyrosine.
Molecular consequence: missense variant.
Genome position (GRCh38, 1-based): chr5:150,656,950, G>T. VCF-style: chr5-150656950-G-T. GRCh37 (hg19) VCF-style: chr5-150036512-G-T.
Other names: short protein forms D859Y.
Identifiers: ClinVar variation 2131258 (VCV002131258.4), dbSNP rs1478271028, ClinGen allele CA361771423.